The following is an entry in ClinVar:

ClinVar aggregate classification (germline): Uncertain significance (1 of 4 stars; one submission).

gnomAD v4.1: 12 of 1,614,154 alleles (0.00074%); highest among the groups gnomAD compares: African/African-American, 0.0013%; no homozygotes.

Submission:

GeneDx
Classification: Uncertain significance. Last evaluated: 2024-06-10. Review status: criteria provided, single submitter. Criteria: GeneDx Variant Classification Process June 2021. Collection method: clinical testing. Allele origin: germline. Affected: yes.
Comment: Not observed at significant frequency in large population cohorts (gnomAD); In silico analysis supports that this missense variant has a deleterious effect on protein structure/function; Has not been previously published as pathogenic or benign to our knowledge

NM_003128.3(SPTBN1):c.5320G>A (p.Ala1774Thr)

Gene: SPTBN1 (spectrin beta, non-erythrocytic 1; plus strand). Cytogenetic location: 2p16.2.
Variant type: single nucleotide variant.
Coding change: c.5320G>A on transcript NM_003128.3 (MANE Select); coding-DNA position 5320, G replaced by A.
Protein change: p.Ala1774Thr; replaces alanine 1774 with threonine.
Molecular consequence: missense variant.
Genome position (GRCh38, 1-based): chr2:54,649,732, G>A. VCF-style: chr2-54649732-G-A. GRCh37 (hg19) VCF-style: chr2-54876869-G-A.
Other names: c.5281G>A, p.Ala1761Thr (NM_178313.3); short protein forms A1761T, A1774T.
Identifiers: ClinVar variation 3390720 (VCV003390720.1).